The following is an entry in ClinVar:

NM_152713.5(STT3A):c.1214G>A (p.Arg405His)

Gene: STT3A (STT3 oligosaccharyltransferase complex catalytic subunit A; plus strand). Cytogenetic location: 11q24.2.
Variant type: single nucleotide variant.
Coding change: c.1214G>A on transcript NM_152713.5 (MANE Select); coding-DNA position 1214, G replaced by A.
Protein change: p.Arg405His; replaces arginine 405 with histidine.
Molecular consequence: missense variant.
Genome position (GRCh38, 1-based): chr11:125,612,596, G>A. VCF-style: chr11-125612596-G-A. GRCh37 (hg19) VCF-style: chr11-125482491-G-A.
Other names: c.1214G>A, p.Arg405His (NM_001278503.2); c.938G>A, p.Arg313His (NM_001278504.2); c.1214G>A (NM_152713.4); short protein forms R405H, R313H.
Identifiers: ClinVar variation 1334781 (VCV001334781.3), dbSNP rs780062429, ClinGen allele CA6349031.

ClinVar aggregate classification (germline): Pathogenic/Likely pathogenic. Review status: criteria provided, multiple submitters, no conflicts (2 of 4 stars). 3 submissions from 3 submitters: Pathogenic (1); Likely pathogenic (1). 1 of the submissions does not count toward it. Last evaluated 2022-06-16.

Conditions:
Congenital disorder of glycosylation, type Iw, autosomal dominant (CDG1WAD). Identifiers: MedGen C5562068, MONDO:0859223, OMIM 619714.
STT3A-congenital disorder of glycosylation. Also called: CONGENITAL DISORDER OF GLYCOSYLATION, TYPE Iw, AUTOSOMAL RECESSIVE; STT3A-CDG; Congenital disorder of glycosylation type 1w. Identifiers: Orphanet 370921, MedGen C5561935, MONDO:0014270, OMIM 615596.

Allele frequency attached by ClinVar (database versions not stated): TOPMed below 0.00001; ExAC 0.00001; gnomAD exomes below 0.00001.

Submissions (3):

SIB Swiss Institute of Bioinformatics
Classification: Likely pathogenic for Congenital disorder of glycosylation, type Iw, autosomal dominant. Last evaluated: 2022-06-16. Review status: criteria provided, single submitter. Criteria: ACMG Guidelines, 2015. Collection method: curation. Allele origin: unknown.
Comment: This variant is interpreted as likely pathogenic for congenital disorder of glycosylation 1W, autosomal dominant. The following ACMG Tag(s) were applied: Absent from controls (or at extremely low frequency if recessive) in Exome Sequencing Project, 1000 Genomes Project, or Exome Aggregation Consortium (PM2); Cosegregation with disease in multiple affected family members in a gene definitively known to cause the disease (PP1); Multiple lines of computational evidence support a deleterious effect on the gene or gene product (PP3); Novel missense change at an amino acid residue where a different missense change determined to be pathogenic has been seen before (PM5).

Victorian Clinical Genetics Services, Murdoch Childrens Research Institute
Classification: Pathogenic for STT3A-congenital disorder of glycosylation. Last evaluated: 2022-03-31. Review status: criteria provided, single submitter. Criteria: ACMG Guidelines, 2015. Collection method: clinical testing. Allele origin: germline.
Comment: Based on the classification scheme VCGS_Germline_v1.3.4, this variant is classified as Pathogenic. Following criteria are met: 0103 - Dominant negative and loss of function are known mechanisms of disease in this gene and are associated with autosomal dominant and recessive congenital disorder of glycosylation, type Iw (MIM#619714) (MIM#615596), respectively. (I) 0108 -This gene is associated with both recessive and dominant disease. Congenital disorder of glycosylation, type Iw (MIM#615596) and (MIM#619714), respectively. (I) 0200 - Variant is predicted to result in a missense amino acid change from arginine to histidine. (I) 0251 - This variant is heterozygous. (I) 0302 - Variant is present in gnomAD (v2) <0.01 for a dominant condition (2 heterozygotes, 0 homozygotes). (SP) 0501 - Missense variant consistently predicted to be damaging by multiple in silico tools. Very highly conserved with a minor amino acid change. (SP) 0600 - Variant is located at the catalytic site of STT3A (PMID: 34653363) in the Oligosaccharyl transferase STT3 subunit (DECIPHER, NCBI_Conserved Domains); and UniProt indicates that it may be a binding site for dolichyl diphosphooligosaccharide activity. (I) 0703 - Another missense variant comparable to the one identified in this case has moderate previous evidence for pathogenicity. Three unrelated probands with CDG are heterozygous for p.(Arg405Cys) (PMID: 34653363). (SP) 0809 - Previous evidence of pathogenicity for this variant is inconclusive. The entry in ClinVar and OMIM refer to the individual in this case, published in PMID: 34653363. (I) 0903 - This variant has limited evidence for segregation with disease. This heterozygous variant segregates with autosomal dominant CDG in one family with three affected siblings and their affected father. (SP) 1006 - Clinically accredited laboratory assay shows abnormal function of product not specific to the gene. (I) Legend: (SP) - Supporting pathogenic, (I) - Information, (SB) - Supporting benign

OMIM
Classification: Pathogenic for CONGENITAL DISORDER OF GLYCOSYLATION, TYPE Iw, AUTOSOMAL DOMINANT. Last evaluated: 2022-01-20. Review status: no assertion criteria provided. Collection method: literature only. Allele origin: germline. Not counted in ClinVar's aggregate classification.

Literature cited by the submitters: PubMed 34653363 (cited by 3 submitters); PubMed 29892012 (cited by Victorian Clinical Genetics Services, Murdoch Childrens Research Institute).